The following is an entry in ClinVar:

NM_005159.5(ACTC1):c.*137A>T

Genes: GJD2-DT (GJD2 divergent transcript; plus strand), ACTC1 (actin alpha cardiac muscle 1; minus strand). Cytogenetic location: 15q14.
Variant type: single nucleotide variant.
Coding change: c.*137A>T on transcript NM_005159.5 (MANE Select); 137 bases downstream of the stop codon, A replaced by T.
Molecular consequence: 3 prime UTR variant.
Genome position (GRCh38, 1-based): chr15:34,790,275, T>A on the plus strand (A>T on the coding strand, the complement: ACTC1 is on the minus strand). VCF-style: chr15-34790275-T-A. GRCh37 (hg19) VCF-style: chr15-35082476-T-A.
Identifiers: ClinVar variation 885082 (VCV000885082.5), dbSNP rs149031785, ClinGen allele CA268660022.

ClinVar aggregate classification (germline): Benign/Likely benign. Review status: criteria provided, multiple submitters, no conflicts (2 of 4 stars). 3 submissions from 2 submitters: Benign (1); Likely benign (2). Last evaluated 2018-01-12.

Conditions:
Dilated cardiomyopathy 1R (CMD1R). Identifiers: Orphanet 154, Orphanet 54260, MedGen C3150681, MONDO:0013261, OMIM 613424.
Hypertrophic cardiomyopathy 11. Also called: ACTC1-Related Familial Hypertrophic Cardiomyopathy. Identifiers: MedGen C2677506, MONDO:0012799, OMIM 612098.

Allele frequency attached by ClinVar (database versions not stated): TOPMed 0.00175; 1000 Genomes Project 0.00479; 1000 Genomes Project 30x 0.00531.
gnomAD v4.1: 474 of 1,162,382 alleles (0.041%); highest among the groups gnomAD compares: African/African-American, 0.64%; 1 homozygote.

Submissions (3):

Illumina Laboratory Services, Illumina
Classification: Likely benign for Dilated cardiomyopathy 1R. Last evaluated: 2018-01-12. Review status: criteria provided, single submitter. Criteria: ICSL Variant Classification Criteria 13 December 2019. Collection method: clinical testing. Allele origin: germline.
Comment: This variant was observed in the ICSL laboratory as part of a predisposition screen in an ostensibly healthy population. It had not been previously curated by ICSL or reported in the Human Gene Mutation Database (HGMD: prior to June 1st, 2018), and was therefore a candidate for classification through an automated scoring system. Utilizing variant allele frequency, disease prevalence and penetrance estimates, and inheritance mode, an automated score was calculated to assess if this variant is too frequent to cause the disease. Based on the score and internal cut-off values, a variant classified as likely benign is not then subjected to further curation. The score for this variant resulted in a classification of likely benign for this disease.

Illumina Laboratory Services, Illumina
Classification: Likely benign for Hypertrophic cardiomyopathy 11. Last evaluated: 2018-01-12. Review status: criteria provided, single submitter. Criteria: ICSL Variant Classification Criteria 13 December 2019. Collection method: clinical testing. Allele origin: germline.
Comment: the same text as in the submission from Illumina Laboratory Services, Illumina above.

GeneDx
Classification: Benign. Last evaluated: 2015-03-03. Review status: criteria provided, single submitter. Criteria: GeneDx Variant Classification Process June 2021. Collection method: clinical testing. Allele origin: germline. Affected: yes.